The following is an entry in ClinVar:

ClinVar aggregate classification (germline): Uncertain significance. Review status: criteria provided, multiple submitters, no conflicts (2 of 4 stars). 2 submissions from 2 submitters: Uncertain significance (2). Last evaluated 2025-01-24.

Conditions:
Hereditary cancer-predisposing syndrome. Also called: Neoplastic Syndromes, Hereditary; Hereditary Cancer Syndrome; Tumor predisposition; Hereditary neoplastic syndrome. Identifiers: Orphanet 140162, MedGen C0027672, MeSH D009386, MONDO:0015356.

Allele frequency attached by ClinVar (database versions not stated): gnomAD exomes below 0.00001.
gnomAD v4.1: 1 of 1,612,900 alleles (0.000062%); no homozygotes.

Submissions (2):

Ambry Genetics
Classification: Uncertain significance for Hereditary cancer-predisposing syndrome. Last evaluated: 2025-01-24. Review status: criteria provided, single submitter. Criteria: Ambry Variant Classification Scheme 2023. Collection method: clinical testing. Allele origin: germline.
Comment: The p.M939V variant (also known as c.2815A>G), located in coding exon 21 of the MSH3 gene, results from an A to G substitution at nucleotide position 2815. The methionine at codon 939 is replaced by valine, an amino acid with highly similar properties. This amino acid position is conserved. In addition, the in silico prediction for this alteration is inconclusive. Since supporting evidence is limited at this time, the clinical significance of this alteration remains unclear.

Labcorp Genetics (formerly Invitae), Labcorp
Classification: Uncertain significance. Last evaluated: 2018-05-22. Review status: criteria provided, single submitter. Criteria: Invitae Variant Classification Sherloc (09022015). Collection method: clinical testing. Allele origin: germline.
Comment: In summary, the available evidence is currently insufficient to determine the role of this variant in disease. Therefore, it has been classified as a Variant of Uncertain Significance. Algorithms developed to predict the effect of sequence changes on RNA splicing suggest that this variant may create or strengthen a splice site, but this prediction has not been confirmed by published transcriptional studies. Algorithms developed to predict the effect of missense changes on protein structure and function are either unavailable or do not agree on the potential impact of this missense change (SIFT: "Tolerated"; PolyPhen-2: "Possibly Damaging"; Align-GVGD: "Class C0"). This variant has not been reported in the literature in individuals with MSH3-related disease. This variant is not present in population databases (ExAC no frequency). This sequence change replaces methionine with valine at codon 939 of the MSH3 protein (p.Met939Val). The methionine residue is moderately conserved and there is a small physicochemical difference between methionine and valine.

NM_002439.5(MSH3):c.2815A>G (p.Met939Val)

Gene: MSH3 (mutS homolog 3; plus strand). Cytogenetic location: 5q14.1.
Variant type: single nucleotide variant.
Coding change: c.2815A>G on transcript NM_002439.5 (MANE Select); coding-DNA position 2815, A replaced by G.
Protein change: p.Met939Val; replaces methionine 939 with valine.
Molecular consequence: missense variant.
Genome position (GRCh38, 1-based): chr5:80,854,131, A>G. VCF-style: chr5-80854131-A-G. GRCh37 (hg19) VCF-style: chr5-80149950-A-G.
Other names: c.2815A>G (NM_002439.3); short protein forms M939V.
Identifiers: ClinVar variation 1038533 (VCV001038533.11), dbSNP rs1745875976, ClinGen allele CA360275454.